The following is an entry in ClinVar:

NM_007373.4(SHOC2):c.566A>T (p.Tyr189Phe)

Gene: SHOC2 (SHOC2 leucine rich repeat scaffold protein; plus strand). Cytogenetic location: 10q25.2.
Variant type: single nucleotide variant.
Coding change: c.566A>T on transcript NM_007373.4 (MANE Select); coding-DNA position 566, A replaced by T.
Protein change: p.Tyr189Phe; replaces tyrosine 189 with phenylalanine.
Molecular consequence: missense variant.
Genome position (GRCh38, 1-based): chr10:110,964,924, A>T. VCF-style: chr10-110964924-A-T. GRCh37 (hg19) VCF-style: chr10-112724682-A-T.
Other names: c.566A>T, p.Tyr189Phe (NM_001269039.3, NM_001324336.2, NM_001324337.2); short protein forms Y189F.
Identifiers: ClinVar variation 830079 (VCV000830079.5), dbSNP rs1847644218, ClinGen allele CA378386067.

ClinVar aggregate classification (germline): Uncertain significance. Review status: reviewed by expert panel (3 of 4 stars). 2 submissions from 2 submitters: Uncertain significance (1). 1 of the submissions does not count toward it. Last evaluated 2019-09-16.

Conditions:
RASopathy. Also called: rasopathies; Noonan spectrum disorder. Identifiers: Orphanet 536391, MedGen C5555857, MONDO:0021060.

Submissions (2):

ClinGen RASopathy Variant Curation Expert Panel
Classification: Uncertain significance for RASopathy. Last evaluated: 2019-09-16. Review status: reviewed by expert panel. Criteria: ClinGen RASopathy ACMG Specifications v1. Collection method: curation. Allele origin: germline. Inheritance: Autosomal dominant inheritance.
Comment: The c.556A>T (p.Tyr189Phe) variant in the SHOC2 gene is absent from large population studies (PM2; gnomAD). The variant is located in the SHOC2 gene, which has been defined by the ClinGen RASopathy Expert Panel as a gene with a low rate of benign missense variants and pathogenic missense variants are common (PP2; PMID: 29493581). In summary, the clinical significance of the p.Tyr189Phe variant is uncertain. RASopathy-specific ACMG/AMP criteria applied (PMID:29493581): PM2, PP2.

GeneDx
Classification: Uncertain significance. Last evaluated: 2019-03-22. Review status: criteria provided, single submitter. Criteria: GeneDx Variant Classification Process June 2021. Collection method: clinical testing. Allele origin: germline. Affected: yes. Not counted in ClinVar's aggregate classification.
Comment: Not observed in large population cohorts (Lek et al., 2016); In silico analysis, which includes protein predictors and evolutionary conservation, supports a deleterious effect; Has not been previously published as pathogenic or benign to our knowledge